The following is an entry in ClinVar:

ClinVar aggregate classification (germline): Uncertain significance. Review status: criteria provided, multiple submitters, no conflicts (2 of 4 stars). 3 submissions from 3 submitters: Uncertain significance (3). Last evaluated 2024-12-30.

Conditions:
Cortisone reductase deficiency 1 (CORTRD1). Identifiers: Orphanet 168588, MedGen C3551716, MONDO:0011503, OMIM 604931.
Inborn genetic diseases. Identifiers: MedGen C0950123, MeSH D030342.

Allele frequency attached by ClinVar (database versions not stated): gnomAD 0.00007 and 0.00008; ExAC 0.00008; TOPMed 0.00008; gnomAD exomes 0.00010; ESP Exome Variant Server 0.00015.
gnomAD v4.1: 88 of 1,614,068 alleles (0.0055%); highest among the groups gnomAD compares: East Asian, 0.025%; no homozygotes.

Submissions (3):

Ambry Genetics
Classification: Uncertain significance for Inborn genetic diseases. Last evaluated: 2024-12-30. Review status: criteria provided, single submitter. Criteria: Ambry Variant Classification Scheme 2023. Collection method: clinical testing. Allele origin: germline.

Labcorp Genetics (formerly Invitae), Labcorp
Classification: Uncertain significance. Last evaluated: 2021-08-14. Review status: criteria provided, single submitter. Criteria: Invitae Variant Classification Sherloc (09022015). Collection method: clinical testing. Allele origin: germline.
Comment: This sequence change replaces arginine with histidine at codon 348 of the H6PD protein (p.Arg348His). The arginine residue is highly conserved and there is a small physicochemical difference between arginine and histidine. This variant is present in population databases (rs149463138, ExAC 0.03%). This variant has not been reported in the literature in individuals affected with H6PD-related conditions. Algorithms developed to predict the effect of missense changes on protein structure and function (SIFT, PolyPhen-2, Align-GVGD) all suggest that this variant is likely to be disruptive. In summary, the available evidence is currently insufficient to determine the role of this variant in disease. Therefore, it has been classified as a Variant of Uncertain Significance.

Juno Genomics, Hangzhou Juno Genomics, Inc
Classification: Uncertain significance for Cortisone reductase deficiency 1. Review status: criteria provided, single submitter. Criteria: ACMG Guidelines, 2015. Collection method: clinical testing. Allele origin: germline.
Comment: Absent from controls (or at extremely low frequency if recessive) in Genome Aggregation Database.;Multiple lines of computational evidence support a deleterious effect on the gene or gene product.

NM_004285.4(H6PD):c.1043G>A (p.Arg348His)

Gene: H6PD (hexose-6-phosphate dehydrogenase/glucose 1-dehydrogenase; plus strand). Cytogenetic location: 1p36.22.
Variant type: single nucleotide variant.
Coding change: c.1043G>A on transcript NM_004285.4 (MANE Select); coding-DNA position 1043, G replaced by A.
Protein change: p.Arg348His; replaces arginine 348 with histidine.
Molecular consequence: missense variant.
Genome position (GRCh38, 1-based): chr1:9,263,536, G>A. VCF-style: chr1-9263536-G-A. GRCh37 (hg19) VCF-style: chr1-9323595-G-A.
Other names: c.1043G>A (NM_004285.3); c.1076G>A, p.Arg359His (NM_001282587.2); short protein forms R359H, R348H.
Identifiers: ClinVar variation 1418223 (VCV001418223.8), dbSNP rs149463138, ClinGen allele CA575184.